The following is an entry in ClinVar:

NM_001371928.1(AHDC1):c.1073C>T (p.Pro358Leu)

Gene: AHDC1 (AT-hook DNA binding motif containing 1; minus strand). Cytogenetic location: 1p36.11.
Variant type: single nucleotide variant.
Coding change: c.1073C>T on transcript NM_001371928.1 (MANE Select); coding-DNA position 1073, C replaced by T.
Protein change: p.Pro358Leu; replaces proline 358 with leucine.
Molecular consequence: missense variant.
Genome position (GRCh38, 1-based): chr1:27,551,043, G>A on the plus strand (C>T on the coding strand, the complement: AHDC1 is on the minus strand). VCF-style: chr1-27551043-G-A. GRCh37 (hg19) VCF-style: chr1-27877554-G-A.
Other names: c.1073C>T, p.Pro358Leu (NM_001029882.3); short protein forms P358L.
Identifiers: ClinVar variation 2985100 (VCV002985100.3), dbSNP rs1358743867, ClinGen allele CA339235225.
Genomic context (GRCh38, chr1:27,551,043, plus strand): 5'-CCCTCAGGCCCGGGGGGGCCGTGCGGTGAGCACAAGTCCAGGCGCAAGGGCTCGGCCAGT[G>A]GGCAGTGCCCCAGGGGCTGCTGGGGCTCCAGACGGCGACCTGGGACGTCAAGCAGCTTGG-3'
Protein context (NP_001358857.1, residues 348-368): LEPQQPLGHC[Pro358Leu]LAEPLRLDLC

ClinVar aggregate classification (germline): Uncertain significance (1 of 4 stars; one submission).

Allele frequency attached by ClinVar (database versions not stated): gnomAD 0.00001; TOPMed 0.00001; gnomAD exomes 0.00002.
gnomAD v4.1: 26 of 1,558,606 alleles (0.0017%); highest among the groups gnomAD compares: Non-Finnish European, 0.0018%; no homozygotes.

Submission:

Labcorp Genetics (formerly Invitae), Labcorp
Classification: Uncertain significance. Last evaluated: 2023-01-01. Review status: criteria provided, single submitter. Criteria: Invitae Variant Classification Sherloc (09022015). Collection method: clinical testing. Allele origin: germline.
Comment: In summary, the available evidence is currently insufficient to determine the role of this variant in disease. Therefore, it has been classified as a Variant of Uncertain Significance. Algorithms developed to predict the effect of missense changes on protein structure and function are either unavailable or do not agree on the potential impact of this missense change (SIFT: "Tolerated"; PolyPhen-2: "Possibly Damaging"; Align-GVGD: "Class C0"). This variant has not been reported in the literature in individuals affected with AHDC1-related conditions. The frequency data for this variant in the population databases is considered unreliable, as metrics indicate poor data quality at this position in the gnomAD database. This sequence change replaces proline, which is neutral and non-polar, with leucine, which is neutral and non-polar, at codon 358 of the AHDC1 protein (p.Pro358Leu).